The following is an entry in ClinVar:

NM_000548.5(TSC2):c.3986G>C (p.Arg1329Pro)

Gene: TSC2 (TSC complex subunit 2; plus strand). Cytogenetic location: 16p13.3.
Variant type: single nucleotide variant.
Coding change: c.3986G>C on transcript NM_000548.5 (MANE Select); coding-DNA position 3986, G replaced by C.
Protein change: p.Arg1329Pro; replaces arginine 1329 with proline.
Molecular consequence: missense variant.
Genome position (GRCh38, 1-based): chr16:2,083,797, G>C. VCF-style: chr16-2083797-G-C. GRCh37 (hg19) VCF-style: chr16-2133798-G-C.
Other names: c.3785G>C, p.Arg1262Pro (NM_001077183.3); c.3917G>C, p.Arg1306Pro (NM_001114382.3); c.3677G>C, p.Arg1226Pro (NM_001318827.2); c.3641G>C, p.Arg1214Pro (NM_001318829.2); c.3254G>C, p.Arg1085Pro (NM_001318831.2); c.3818G>C, p.Arg1273Pro (NM_001318832.2); c.3788G>C, p.Arg1263Pro (NM_001363528.2); c.3854G>C, p.Arg1285Pro (NM_001370404.1); and 26 more; short protein forms R1305P, R814P, R815P, R837P, R838P, R1106P, R1273P, R1062P.
Identifiers: ClinVar variation 1736731 (VCV001736731.2), dbSNP rs45517323, ClinGen allele CA394297697.

ClinVar aggregate classification (germline): Uncertain significance (1 of 4 stars; one submission).

Conditions:
Hereditary cancer-predisposing syndrome. Also called: Neoplastic Syndromes, Hereditary; Tumor predisposition; Hereditary Cancer Syndrome; Hereditary neoplastic syndrome. Identifiers: Orphanet 140162, MedGen C0027672, MeSH D009386, MONDO:0015356.

Submission:

Ambry Genetics
Classification: Uncertain significance for Hereditary cancer-predisposing syndrome. Last evaluated: 2020-05-06. Review status: criteria provided, single submitter. Criteria: Ambry Variant Classification Scheme 2023. Collection method: clinical testing. Allele origin: germline.
Comment: The p.R1329P variant (also known as c.3986G>C), located in coding exon 32 of the TSC2 gene, results from a G to C substitution at nucleotide position 3986. The arginine at codon 1329 is replaced by proline, an amino acid with dissimilar properties. This amino acid position is not well conserved in available vertebrate species. In addition, the in silico prediction for this alteration is inconclusive. Since supporting evidence is limited at this time, the clinical significance of this alteration remains unclear.